The following is an entry in ClinVar:

ClinVar aggregate classification (germline): Likely benign. Review status: criteria provided, multiple submitters, no conflicts (2 of 4 stars). 3 submissions from 3 submitters: Likely benign (3). Last evaluated 2022-08-22.

Allele frequency attached by ClinVar (database versions not stated): gnomAD 0.00001 and 0.00002; ExAC 0.00002; gnomAD exomes 0.00002 and 0.00003; TOPMed 0.00003.

Submissions (3):

Labcorp Genetics (formerly Invitae), Labcorp
Classification: Likely benign. Last evaluated: 2022-08-22. Review status: criteria provided, single submitter. Criteria: Invitae Variant Classification Sherloc (09022015). Collection method: clinical testing. Allele origin: germline.

CeGaT Center for Human Genetics Tuebingen
Classification: Likely benign. Last evaluated: 2022-06-01. Review status: criteria provided, single submitter. Criteria: CeGaT Center For Human Genetics Tuebingen Variant Classification Criteria Version 2. Collection method: clinical testing. Allele origin: germline. Affected: yes. Observed: 1 variant allele.
Comment: ANK3: BP4, BP7

Genetic Services Laboratory, University of Chicago
Classification: Likely benign. Last evaluated: 2017-08-24. Review status: criteria provided, single submitter. Criteria: ACMG Guidelines, 2015. Collection method: clinical testing. Allele origin: germline. Affected: no.

NM_020987.5(ANK3):c.8883C>T (p.Pro2961=)

Gene: ANK3 (ankyrin 3; minus strand). Cytogenetic location: 10q21.2.
Variant type: single nucleotide variant.
Coding change: c.8883C>T on transcript NM_020987.5 (MANE Select); coding-DNA position 8883, C replaced by T.
Protein change: p.Pro2961=; no amino-acid change (proline 2961 retained).
Molecular consequence: synonymous variant. On other transcripts: intron variant (4).
Genome position (GRCh38, 1-based): chr10:60,071,998, G>A on the plus strand (C>T on the coding strand, the complement: ANK3 is on the minus strand). VCF-style: chr10-60071998-G-A. GRCh37 (hg19) VCF-style: chr10-61831756-G-A.
Other names: c.4388-3989C>T (NM_001204403.2); c.4409-3989C>T (NM_001204404.2); c.4406-3989C>T (NM_001320874.2); c.1808-3989C>T (NM_001149.4).
Identifiers: ClinVar variation 1336181 (VCV001336181.34), dbSNP rs765123203, ClinGen allele CA5511475.